The following is an entry in ClinVar:

NM_001103.4(ACTN2):c.1865A>G (p.Asp622Gly)

Gene: ACTN2 (actinin alpha 2; plus strand). Cytogenetic location: 1q43.
Variant type: single nucleotide variant.
Coding change: c.1865A>G on transcript NM_001103.4 (MANE Select); coding-DNA position 1865, A replaced by G.
Protein change: p.Asp622Gly; replaces aspartic acid 622 with glycine.
Molecular consequence: missense variant. On other transcripts: non-coding transcript variant (1).
Genome position (GRCh38, 1-based): chr1:236,753,972, A>G. VCF-style: chr1-236753972-A-G. GRCh37 (hg19) VCF-style: chr1-236917272-A-G.
Other names: c.1865A>G, p.Asp622Gly (NM_001278343.2); short protein forms D622G.
Identifiers: ClinVar variation 3756407 (VCV003756407.2).

ClinVar aggregate classification (germline): Uncertain significance (1 of 4 stars; one submission).

Conditions:
Primary familial hypertrophic cardiomyopathy (HCM). Identifiers: Orphanet 99739, MedGen C0949658, MeSH D024741, MONDO:0024573. Inheritance: Various modes of inheritance.
Dilated cardiomyopathy 1AA (CMD1AA). Also called: CARDIOMYOPATHY, DILATED, 1AA, WITH OR WITHOUT LEFT VENTRICULAR NONCOMPACTION; CARDIOMYOPATHY, FAMILIAL HYPERTROPHIC, 23, WITH OR WITHOUT LEFT VENTRICULAR NONCOMPACTION; Cardiomyopathy, dilated, 1AA, with or without LVNC. Identifiers: Orphanet 154, MedGen C2677338, MONDO:0012808, OMIM 612158.

gnomAD v4.1: 1 of 1,613,756 alleles (0.000062%); highest among the groups gnomAD compares: Non-Finnish European, 0.000085%; no homozygotes.

Submission:

Labcorp Genetics (formerly Invitae), Labcorp
Classification: Uncertain significance for Primary familial hypertrophic cardiomyopathy; Dilated cardiomyopathy 1AA. Last evaluated: 2024-05-18. Review status: criteria provided, single submitter. Criteria: Invitae Variant Classification Sherloc (09022015). Collection method: clinical testing. Allele origin: germline.
Comment: This sequence change replaces aspartic acid, which is acidic and polar, with glycine, which is neutral and non-polar, at codon 622 of the ACTN2 protein (p.Asp622Gly). This variant is present in population databases (rs757345394, gnomAD 0.0009%). This variant has not been reported in the literature in individuals affected with ACTN2-related conditions. Advanced modeling of protein sequence and biophysical properties (such as structural, functional, and spatial information, amino acid conservation, physicochemical variation, residue mobility, and thermodynamic stability) performed at Invitae indicates that this missense variant is expected to disrupt ACTN2 protein function with a positive predictive value of 80%. In summary, the available evidence is currently insufficient to determine the role of this variant in disease. Therefore, it has been classified as a Variant of Uncertain Significance.